The following is an entry in ClinVar:

ClinVar aggregate classification (germline): Pathogenic (1 of 4 stars; one submission).

Conditions:
Epidermodysplasia verruciformis. Identifiers: Orphanet 302, MedGen C0014522, MONDO:0009176.

Submission:

Labcorp Genetics (formerly Invitae), Labcorp
Classification: Pathogenic for Epidermodysplasia verruciformis. Last evaluated: 2023-04-03. Review status: criteria provided, single submitter. Criteria: Invitae Variant Classification Sherloc (09022015). Collection method: clinical testing. Allele origin: germline.
Comment: For these reasons, this variant has been classified as Pathogenic. ClinVar contains an entry for this variant (Variation ID: 1460287). This variant has not been reported in the literature in individuals affected with TMC6-related conditions. This variant is present in population databases (rs758514260, gnomAD 0.003%). This sequence change creates a premature translational stop signal (p.Tyr737*) in the TMC6 gene. It is expected to result in an absent or disrupted protein product. Loss-of-function variants in TMC6 are known to be pathogenic (PMID: 15042430, 17139267).

Literature cited by the submitters: PubMed 15042430; PubMed 17139267.

NM_001127198.5(TMC6):c.2211C>A (p.Tyr737Ter)

Gene: TMC6 (transmembrane channel like 6; minus strand). Cytogenetic location: 17q25.3.
Variant type: single nucleotide variant.
Coding change: c.2211C>A on transcript NM_001127198.5 (MANE Select); coding-DNA position 2211, C replaced by A.
Protein change: p.Tyr737Ter; replaces tyrosine 737 with a stop codon.
Molecular consequence: nonsense. On other transcripts: non-coding transcript variant (4).
Genome position (GRCh38, 1-based): chr17:78,117,335, G>T on the plus strand (C>A on the coding strand, the complement: TMC6 is on the minus strand). VCF-style: chr17-78117335-G-T. GRCh37 (hg19) VCF-style: chr17-76113416-G-T.
Other names: c.2211C>A, p.Tyr737Ter (NM_001321185.1, NM_001374596.1, NM_001375353.1 and 2 more transcripts); c.2031C>A, p.Tyr677Ter (NM_001374593.1, NM_001374594.1); short protein forms Y677*, Y737*.
Identifiers: ClinVar variation 1460287 (VCV001460287.6), dbSNP rs758514260, ClinGen allele CA8795372.
Genomic context (GRCh38, chr17:78,117,335, plus strand): 5'-GATCTGCTCCTTGAGCAGGCAGATGACCTTGCGCTGGCCCCGCACCACCTGGATGTTGAG[G>T]TAGATCACGGCCCTGCGGGAGAGGGGCTGTCGGGCAGGGCCCAGGGCCACAGCCCGGGAG-3'